The following is an entry in ClinVar:

ClinVar aggregate classification (germline): Uncertain significance (1 of 4 stars; one submission).

Conditions:
Tuberous sclerosis syndrome (TSC). Also called: Tuberous Sclerosis Complex; Tuberous sclerosis. Identifiers: Orphanet 805, MedGen C0041341, MONDO:0001734.

Submission:

Color Diagnostics, LLC DBA Color Health
Classification: Uncertain significance for Tuberous sclerosis syndrome. Last evaluated: 2025-05-13. Review status: criteria provided, single submitter. Criteria: ACMG Guidelines, 2015. Collection method: clinical testing. Allele origin: germline.
Comment: This variant deletes 1 nucleotide in exon 26 of the TSC2 gene, creating a frameshift and premature translation stop signal. Exon 26 is also known as exon 25 in a nomenclature based on coding exons only. TSC2 expression data demonstrates that the majority of TSC2 transcripts lack exons 26 in many human adult tissues and an in vitro assay measuring protein stability, TSC1-TSC2 protein interaction, and mTORC1 activity (based on ratio of T389-phosphorylated S6K to total S6K) has shown that this exon is not essential for TSC complex function (PMID: 26703369 Ekong 2016, gnomAD). To our knowledge, this variant has not been reported in individuals affected with TSC2-related disorders in the literature (PMID: 26703369). This variant has not been identified in the general population by the Genome Aggregation Database (gnomAD). Loss of TSC2 function is a known mechanism of disease. The available evidence is insufficient to determine the role of this variant in disease conclusively. Therefore, this variant is classified as a Variant of Uncertain Significance.

Literature cited by the submitters: PubMed 26703369.

NM_000548.5(TSC2):c.2850del (p.Arg951fs)

Gene: TSC2 (TSC complex subunit 2; plus strand). Cytogenetic location: 16p13.3.
Variant type: Deletion.
Coding change: c.2850del on transcript NM_000548.5 (MANE Select); coding-DNA position 2850, one base deleted (C; older notation c.2850delC).
Protein change: p.Arg951fs; shifts the reading frame from arginine 951.
Molecular consequence: frameshift variant. On other transcripts: intron variant (31).
Genome position (GRCh38, 1-based): chr16:2,077,610, C deleted; the last of 2 consecutive C bases (chr16:2,077,609-2,077,610); deleting either gives the same sequence. VCF-style (leftmost placement, unchanged base first): chr16-2077608-GC-G. GRCh37 (hg19) VCF-style: chr16-2127609-GC-G.
Other names: c.2703del, p.Arg902fs (NM_001406676.1, NM_001406675.1); c.2250del, p.Arg751fs (NM_001406680.1, NM_001406682.1, NM_001406683.1 and 1 more transcripts); c.1506del, p.Arg503fs (NM_001406689.1); c.1493+1025del (NM_001406693.1, NM_001406690.1, NM_001406692.1 and 5 more transcripts); c.2927+1025del (NM_001406667.1, NM_001406668.1); c.2237+1025del (NM_001406687.1, NM_001406685.1, NM_001318831.2 and 2 more transcripts); c.2850del, p.Arg951fs (NM_001114382.3, NM_001406663.1, NM_001406664.1); c.2739del, p.Arg914fs (NM_001406670.1); and 8 more; short protein forms R503fs, R751fs, R902fs, R914fs, R951fs.
Identifiers: ClinVar variation 4756670 (VCV004756670.1).